The following is an entry in ClinVar:

ClinVar aggregate classification (germline): Uncertain significance (1 of 4 stars; one submission).

Conditions:
Very long chain acyl-CoA dehydrogenase deficiency (ACADVLD). Also called: Very Long-Chain Acyl-Coenzyme A Dehydrogenase Deficiency; VLCAD Deficiency. Identifiers: Orphanet 26793, MedGen C3887523, MONDO:0008723, OMIM 201475.

Allele frequency attached by ClinVar (database versions not stated): gnomAD exomes below 0.00001.
gnomAD v4.1: 2 of 1,614,002 alleles (0.00012%); highest among the groups gnomAD compares: African/African-American, 0.0013%; no homozygotes.

Submission:

Wong Mito Lab, Molecular and Human Genetics, Baylor College of Medicine
Classification: Uncertain significance for Very long chain acyl-CoA dehydrogenase deficiency. Last evaluated: 2019-11-01. Review status: criteria provided, single submitter. Criteria: ACMG Guidelines, 2015. Collection method: clinical testing. Allele origin: germline.
Comment: The NM_000018.3:c.1763C>T (NP_000009.1:p.Ser588Phe) [GRCH38: NC_000017.11:g.7224820C>T] variant in ACADVL gene is interpretated to be Uncertain Significance based on ACMG guidelines (PMID: 25741868). This variant has been reported. This variant dose not meet any evidence codes reported in the ACMG guidelines.

NM_000018.4(ACADVL):c.1763C>T (p.Ser588Phe)

Gene: ACADVL (acyl-CoA dehydrogenase very long chain; plus strand). Cytogenetic location: 17p13.1.
Variant type: single nucleotide variant.
Coding change: c.1763C>T on transcript NM_000018.4 (MANE Select); coding-DNA position 1763, C replaced by T.
Protein change: p.Ser588Phe; replaces serine 588 with phenylalanine.
Molecular consequence: missense variant.
Genome position (GRCh38, 1-based): chr17:7,224,820, C>T. VCF-style: chr17-7224820-C-T. GRCh37 (hg19) VCF-style: chr17-7128139-C-T.
Other names: c.1697C>T, p.Ser566Phe (NM_001033859.3); c.1832C>T, p.Ser611Phe (NM_001270447.2); c.1535C>T, p.Ser512Phe (NM_001270448.2); short protein forms S512F, S566F, S588F, S611F.
Identifiers: ClinVar variation 932774 (VCV000932774.2), dbSNP rs2071402000, ClinGen allele CA397725830.